The following is an entry in ClinVar:

NM_020937.4(FANCM):c.2818A>G (p.Asn940Asp)

Gene: FANCM (FA complementation group M; plus strand). Cytogenetic location: 14q21.2.
Variant type: single nucleotide variant.
Coding change: c.2818A>G on transcript NM_020937.4 (MANE Select); coding-DNA position 2818, A replaced by G.
Protein change: p.Asn940Asp; replaces asparagine 940 with aspartic acid.
Molecular consequence: missense variant.
Genome position (GRCh38, 1-based): chr14:45,175,572, A>G. VCF-style: chr14-45175572-A-G. GRCh37 (hg19) VCF-style: chr14-45644775-A-G.
Other names: c.2740A>G, p.Asn914Asp (NM_001308133.2); short protein forms N914D, N940D.
Identifiers: ClinVar variation 2501461 (VCV002501461.1), dbSNP rs2503184288, ClinGen allele CA389599242.

ClinVar aggregate classification (germline): Uncertain significance (1 of 4 stars; one submission).

Submission:

GeneDx
Classification: Uncertain significance. Last evaluated: 2022-11-03. Review status: criteria provided, single submitter. Criteria: GeneDx Variant Classification Process June 2021. Collection method: clinical testing. Allele origin: germline. Affected: yes.
Comment: Not observed at significant frequency in large population cohorts (gnomAD); In silico analysis supports that this missense variant does not alter protein structure/function; Has not been previously published as pathogenic or benign to our knowledge